The following is an entry in ClinVar:

ClinVar aggregate classification (germline): Pathogenic. Review status: criteria provided, single submitter (1 of 4 stars). 2 submissions from 2 submitters: Pathogenic (1). 1 of the submissions does not count toward it. Last evaluated 2024-03-09.

Conditions:
Pelizaeus-Merzbacher disease. Also called: Sudanophilic leukodystrophy; Pelizeaus-Merzbacher spectrum disorder; Pelizaeus-Merzbacher spectrum disorder; Pelizaeus-Merzbacher Disease (PMD); LEUKODYSTROPHY, HYPOMYELINATING, 1. Identifiers: Orphanet 702, MedGen C0205711, MONDO:0010714, OMIM 312080, HP:0003269.

Submissions (2):

GeneDx
Classification: Pathogenic. Last evaluated: 2024-03-09. Review status: criteria provided, single submitter. Criteria: GeneDx Variant Classification Process June 2021. Collection method: clinical testing. Allele origin: germline. Affected: yes.
Comment: This variant is associated with the following publications: (PMID: 26125040, 36622199, 33084218)

GeneReviews
No classification provided. Condition: Pelizaeus-Merzbacher disease. Review status: no classification provided. Collection method: literature only. Allele origin: germline. Not counted in ClinVar's aggregate classification.

Literature cited by the submitters: PubMed 26125040 (cited by GeneReviews); PubMed 20301361 (cited by GeneReviews).

NM_000533.5(PLP1):c.453+159G>A

Genes: RAB9B (RAB9B, member RAS oncogene family; minus strand), PLP1 (proteolipid protein 1; plus strand). Cytogenetic location: Xq22.2.
Variant type: single nucleotide variant.
Coding change: c.453+159G>A on transcript NM_000533.5 (MANE Select); 159 bases into the intron after coding-DNA position 453, G replaced by A.
Molecular consequence: intron variant.
Genome position (GRCh38, 1-based): chrX:103,786,885, G>A. VCF-style: chrX-103786885-G-A. GRCh37 (hg19) VCF-style: chrX-103041814-G-A.
Other names: c.453+159G>A (NM_001128834.3); c.348+264G>A (NM_199478.3); c.288+159G>A (NM_001305004.1).
Identifiers: ClinVar variation 816705 (VCV000816705.3), dbSNP rs1602383261, ClinGen allele CA915952359.